The following is an entry in ClinVar:

ClinVar aggregate classification (germline): Uncertain significance (1 of 4 stars; one submission).

gnomAD v4.1: 5 of 1,614,054 alleles (0.00031%); highest among the groups gnomAD compares: South Asian, 0.0044%; no homozygotes.

Submission:

Labcorp Genetics (formerly Invitae), Labcorp
Classification: Uncertain significance. Last evaluated: 2025-07-21. Review status: criteria provided, single submitter. Criteria: Invitae Variant Classification Sherloc (09022015). Collection method: clinical testing. Allele origin: germline.
Comment: This sequence change replaces leucine, which is neutral and non-polar, with valine, which is neutral and non-polar, at codon 821 of the DSG1 protein (p.Leu821Val). This variant is present in population databases (no rsID available, gnomAD 0.003%). This variant has not been reported in the literature in individuals affected with DSG1-related conditions. Invitae Evidence Modeling of protein sequence and biophysical properties (such as structural, functional, and spatial information, amino acid conservation, physicochemical variation, residue mobility, and thermodynamic stability) indicates that this missense variant is not expected to disrupt DSG1 protein function with a negative predictive value of 80%. In summary, the available evidence is currently insufficient to determine the role of this variant in disease. Therefore, it has been classified as a Variant of Uncertain Significance.

NM_001942.4(DSG1):c.2461C>G (p.Leu821Val)

Genes: DSG1 (desmoglein 1; plus strand), DSG1-AS1 (DSG1 antisense RNA 1; minus strand), LOC126862720 (MED14-independent group 3 enhancer GRCh37_chr18:28933613-28934812; plus strand). Cytogenetic location: 18q12.1.
Variant type: single nucleotide variant.
Coding change: c.2461C>G on transcript NM_001942.4 (MANE Select); coding-DNA position 2461, C replaced by G.
Protein change: p.Leu821Val; replaces leucine 821 with valine.
Molecular consequence: missense variant.
Genome position (GRCh38, 1-based): chr18:31,354,657, C>G. VCF-style: chr18-31354657-C-G. GRCh37 (hg19) VCF-style: chr18-28934620-C-G.
Other names: short protein forms L821V.
Identifiers: ClinVar variation 4799472 (VCV004799472.1).